The following is an entry in ClinVar:

NM_001114753.3(ENG):c.1166_1168del (p.Phe389del)

Genes: ENG (endoglin; minus strand), LOC102723566 (uncharacterized LOC102723566; plus strand). Cytogenetic location: 9q34.11.
Variant type: Deletion.
Coding change: c.1166_1168del on transcript NM_001114753.3 (MANE Select); coding-DNA positions 1166 to 1168, 3 bases deleted (TCT; older notation c.1166_1168delTCT).
Protein change: p.Phe389del; deletes phenylalanine 389.
Molecular consequence: inframe deletion. On other transcripts: inframe indel (1).
Genome position (GRCh38, 1-based): chr9:127,820,004-127,820,006, AGA deleted on the plus strand (TCT on the coding strand, the reverse complement: ENG is on the minus strand); deleting any 3 consecutive bases within chr9:127,820,004-127,820,008 gives the same sequence; the c. name uses the placement nearest the transcript's 3' end. VCF-style (leftmost placement, unchanged base first): chr9-127820003-CAGA-C. GRCh37 (hg19) VCF-style: chr9-130582282-CAGA-C.
Other names: c.1166_1168delTCT (NM_000118.3); c.1164_1166delCTT, p.Phe389del (NM_000118.4); c.620_622del, p.Phe207del (NM_001278138.2); short protein forms F207del, F389del.
Identifiers: ClinVar variation 639827 (VCV000639827.14), dbSNP rs1588577016, ClinGen allele CA915947171.

ClinVar aggregate classification (germline): Pathogenic/Likely pathogenic. Review status: criteria provided, multiple submitters, no conflicts (2 of 4 stars). 3 submissions from 3 submitters: Pathogenic (1); Likely pathogenic (2). Last evaluated 2024-10-31.

Conditions:
Hereditary hemorrhagic telangiectasia (HHT). Also called: ORW DISEASE; Osler Weber Rendu syndrome; OSLER-RENDU-WEBER DISEASE; Osler hemorrhagic telangiectasia syndrome. Identifiers: Orphanet 774, MedGen C0039445, MONDO:0019180. Disease mechanism: loss of function.
Cardiovascular phenotype. Identifiers: MedGen CN230736.
Telangiectasia, hereditary hemorrhagic, type 1 (HHT1). Also called: Osler Weber Rendu syndrome type 1; ENG-Related Hereditary Hemorrhagic Telangiectasia. Identifiers: Orphanet 774, MedGen C4551861, MONDO:0008535, OMIM 187300. Disease mechanism: loss of function.

Submissions (3):

Labcorp Genetics (formerly Invitae), Labcorp
Classification: Likely pathogenic for Hereditary hemorrhagic telangiectasia. Last evaluated: 2024-10-31. Review status: criteria provided, single submitter. Criteria: Invitae Variant Classification Sherloc (09022015). Collection method: clinical testing. Allele origin: germline.
Comment: This variant, c.1166_1168del, results in the deletion of 1 amino acid(s) of the ENG protein (p.Phe389del), but otherwise preserves the integrity of the reading frame. This variant is not present in population databases (gnomAD no frequency). This variant has been observed in individuals with hereditary hemorrhagic telangiectasia (PMID: 15521985, 20414677, 21158752, 24603890, 32573726; internal data). This variant is also known as c.1165-1167delTTC. ClinVar contains an entry for this variant (Variation ID: 639827). Experimental studies and prediction algorithms are not available or were not evaluated, and the functional significance of this variant is currently unknown. In summary, the currently available evidence indicates that the variant is pathogenic, but additional data are needed to prove that conclusively. Therefore, this variant has been classified as Likely Pathogenic.

Ambry Genetics
Classification: Pathogenic for Cardiovascular phenotype. Last evaluated: 2021-08-23. Review status: criteria provided, single submitter. Criteria: Ambry Variant Classification Scheme 2023. Collection method: clinical testing. Allele origin: germline.
Comment: The c.1166_1168delTCT pathogenic mutation (also known as p.F389del) is located in coding exon 9 of the ENG gene. This variant results from an in-frame TCT deletion at nucleotide positions 1166 to 1168. This results in the in-frame deletion of a phenylalanine at codon 389. This deletion has been detected in multiple individuals with a clinical diagnosis or suspicion of hereditary hemorrhagic telangiectasia (Brusgaard K et al. Clin Genet, 2004 Dec;66:556-61; Richards-Yutz J et al. Hum Genet, 2010 Jul;128:61-77; McDonald J et al. Clin Genet, 2011 Apr;79:335-44; T&oslash;rring PM et al. PLoS One, 2014 Mar;9:e90272; Ambry internal data). Based on internal structural assessment, this alteration results in disruption of the structure of ZP domain of ENG (Bokhove M et al. Proc Natl Acad Sci U S A. 2016 Feb;113(6):1552-7). This variant is considered to be rare based on population cohorts in the Genome Aggregation Database (gnomAD). In addition, this alteration is predicted to be deleterious by in silico analysis (Choi Y et al. PLoS ONE. 2012; 7(10):e46688). Based on the supporting evidence, this alteration is interpreted as a disease-causing mutation.

NIHR Bioresource Rare Diseases, University of Cambridge
Classification: Likely pathogenic for Telangiectasia, hereditary hemorrhagic, type 1. Last evaluated: 2018-01-01. Review status: criteria provided, single submitter. Criteria: ACMG Guidelines, 2015. Collection method: research. Allele origin: unknown. Affected: yes. Observed: 1 variant allele.
Comment: PVS1+PM2+PP4

Literature cited by the submitters: PubMed 15521985 (cited by Labcorp Genetics (formerly Invitae), Labcorp and Ambry Genetics); PubMed 20414677 (cited by Labcorp Genetics (formerly Invitae), Labcorp and Ambry Genetics); PubMed 21158752 (cited by Labcorp Genetics (formerly Invitae), Labcorp and Ambry Genetics); PubMed 24603890 (cited by Labcorp Genetics (formerly Invitae), Labcorp and Ambry Genetics); PubMed 32573726 (cited by Labcorp Genetics (formerly Invitae), Labcorp and NIHR Bioresource Rare Diseases, University of Cambridge); PubMed 26811476 (cited by Ambry Genetics).